The following is an entry in ClinVar:

ClinVar aggregate classification (germline): Likely benign. Review status: criteria provided, single submitter (1 of 4 stars). 2 submissions from 2 submitters: Likely benign (1). 1 of the submissions does not count toward it. Last evaluated 2020-06-02.

Conditions:
CEP290-related disorder. Also called: CEP290-related disorders; CEP290-related condition. Identifiers: MedGen CN239314.
Joubert syndrome. Also called: CEREBELLOPARENCHYMAL DISORDER IV; JOUBERT-BOLTSHAUSER SYNDROME; Familial aplasia of the vermis. Identifiers: Orphanet 475, MedGen C5979921, MONDO:0018772.
Nephronophthisis. Also called: Juvenile Nephronophthisis. Identifiers: Orphanet 655, MedGen C0687120, MONDO:0019005, HP:0000090.
Meckel-Gruber syndrome. Also called: DYSENCEPHALIA SPLANCHNOCYSTICA; GRUBER SYNDROME; Dysencephalia splachnocystica. Identifiers: Orphanet 564, MedGen C0265215, MONDO:0018921.

Submissions (2):

Labcorp Genetics (formerly Invitae), Labcorp
Classification: Likely benign for Joubert syndrome; Meckel-Gruber syndrome; Nephronophthisis. Last evaluated: 2020-06-02. Review status: criteria provided, single submitter. Criteria: Invitae Variant Classification Sherloc (09022015). Collection method: clinical testing. Allele origin: germline.

PreventionGenetics, part of Exact Sciences
Classification: Likely benign for CEP290-related condition. Last evaluated: 2020-08-31. Review status: no assertion criteria provided. Collection method: clinical testing. Allele origin: germline. Not counted in ClinVar's aggregate classification.
Comment: This variant is classified as likely benign based on ACMG/AMP sequence variant interpretation guidelines (Richards et al. 2015 PMID: 25741868, with internal and published modifications).

NM_025114.4(CEP290):c.6336G>A (p.Arg2112=)

Genes: CEP290 (centrosomal protein 290; minus strand), LOC129390514 (MPRA-validated peak1864 silencer; plus strand). Cytogenetic location: 12q21.32.
Variant type: single nucleotide variant.
Coding change: c.6336G>A on transcript NM_025114.4 (MANE Select); coding-DNA position 6336, G replaced by A.
Protein change: p.Arg2112=; no amino-acid change (arginine 2112 retained).
Molecular consequence: synonymous variant.
Genome position (GRCh38, 1-based): chr12:88,062,713, C>T on the plus strand (G>A on the coding strand, the complement: CEP290 is on the minus strand). VCF-style: chr12-88062713-C-T. GRCh37 (hg19) VCF-style: chr12-88456490-C-T.
Other names: c.6336G>A (NM_025114.3).
Identifiers: ClinVar variation 1155495 (VCV001155495.10), dbSNP rs1475220538, ClinGen allele CA481067136.
Genomic context (GRCh38, chr12:88,062,713, plus strand): 5'-GCTGAAACCAAAACAAATGTATGGTAAATTCTCACATACCCCTCTAACATGGCCAAGTTT[C>T]CGCTGAACTTCTGCTTTTTCTTTCTTAAGAAATTCACACATTTCCTTCAAATCTCTGACT-3'
Protein context (NP_079390.3, residues 2102-2122): FLKKEKAEVQ[Arg2112=]KLGHVRGSGR